The following is an entry in ClinVar:

ClinVar aggregate classification (germline): Uncertain significance (1 of 4 stars; one submission).

Conditions:
Retinoblastoma (RB1). Also called: RETINOBLASTOMA, SOMATIC. Identifiers: Orphanet 790, MedGen C0035335, MeSH D012175, MONDO:0008380, OMIM 180200, HP:0009919. Disease mechanism: loss of function. Inheritance: Both sporadic and heritable forms are tested..

Submission:

Labcorp Genetics (formerly Invitae), Labcorp
Classification: Uncertain significance for Retinoblastoma. Last evaluated: 2025-10-09. Review status: criteria provided, single submitter. Criteria: Invitae Variant Classification Sherloc (09022015). Collection method: clinical testing. Allele origin: germline.
Comment: This variant occurs in a non-coding region of the RB1 gene. It does not change the encoded amino acid sequence of the RB1 protein. This variant is not present in population databases (gnomAD no frequency). This variant has not been reported in the literature in individuals affected with RB1-related conditions. Experimental studies and prediction algorithms are not available or were not evaluated, and the functional significance of this variant is currently unknown. In summary, the available evidence is currently insufficient to determine the role of this variant in disease. Therefore, it has been classified as a Variant of Uncertain Significance.

NC_000013.11:g.48303680G>T

Genes: RB1 (RB transcriptional corepressor 1; plus strand), RB1-DT (RB1 divergent transcript; minus strand). Cytogenetic location: 13q14.2.
Variant type: single nucleotide variant.
Molecular consequence: non-coding transcript variant (on NR_046414.2).
Genome position: GRCh38 VCF-style: chr13-48303680-G-T. GRCh37 (hg19) VCF-style: chr13-48877816-G-T.
Identifiers: ClinVar variation 4777505 (VCV004777505.1).